The following is an entry in ClinVar:

ClinVar aggregate classification (germline): Uncertain significance (1 of 4 stars; one submission).

Conditions:
Epileptic encephalopathy. Identifiers: MedGen C0543888, HP:0200134.

Allele frequency attached by ClinVar (database versions not stated): gnomAD exomes 0.00001 and 0.00002; ExAC 0.00002; TOPMed 0.00003; gnomAD 0.00005 and 0.00006; 1000 Genomes Project 30x 0.00016.
gnomAD v4.1: 13 of 1,613,940 alleles (0.00081%); highest among the groups gnomAD compares: Admixed American, 0.0067%; no homozygotes.

Submission:

Labcorp Genetics (formerly Invitae), Labcorp
Classification: Uncertain significance for Epileptic encephalopathy. Last evaluated: 2020-02-06. Review status: criteria provided, single submitter. Criteria: Invitae Variant Classification Sherloc (09022015). Collection method: clinical testing. Allele origin: germline.
Comment: Algorithms developed to predict the effect of missense changes on protein structure and function (SIFT, PolyPhen-2, Align-GVGD) all suggest that this variant is likely to be tolerated, but these predictions have not been confirmed by published functional studies and their clinical significance is uncertain. In summary, the available evidence is currently insufficient to determine the role of this variant in disease. Therefore, it has been classified as a Variant of Uncertain Significance. This variant has not been reported in the literature in individuals with RYR3-related conditions. This sequence change replaces alanine with valine at codon 4460 of the RYR3 protein (p.Ala4460Val). The alanine residue is moderately conserved and there is a small physicochemical difference between alanine and valine. This variant is present in population databases (rs775356788, ExAC 0.02%).

NM_001036.6(RYR3):c.13379C>T (p.Ala4460Val)

Gene: RYR3 (ryanodine receptor 3; plus strand). Cytogenetic location: 15q14.
Variant type: single nucleotide variant.
Coding change: c.13379C>T on transcript NM_001036.6 (MANE Select); coding-DNA position 13379, C replaced by T.
Protein change: p.Ala4460Val; replaces alanine 4460 with valine.
Molecular consequence: missense variant.
Genome position (GRCh38, 1-based): chr15:33,844,944, C>T. VCF-style: chr15-33844944-C-T. GRCh37 (hg19) VCF-style: chr15-34137145-C-T.
Other names: c.13364C>T, p.Ala4455Val (NM_001243996.4); short protein forms A4455V, A4460V.
Identifiers: ClinVar variation 1008139 (VCV001008139.9), dbSNP rs775356788, ClinGen allele CA7461622.